The following is an entry in ClinVar:

NM_019098.5(CNGB3):c.1216A>G (p.Ile406Val)

Gene: CNGB3 (cyclic nucleotide gated channel subunit beta 3; minus strand). Cytogenetic location: 8q21.3.
Variant type: single nucleotide variant.
Coding change: c.1216A>G on transcript NM_019098.5 (MANE Select); coding-DNA position 1216, A replaced by G.
Protein change: p.Ile406Val; replaces isoleucine 406 with valine.
Molecular consequence: missense variant.
Genome position (GRCh38, 1-based): chr8:86,632,856, T>C on the plus strand (A>G on the coding strand, the complement: CNGB3 is on the minus strand). VCF-style: chr8-86632856-T-C. GRCh37 (hg19) VCF-style: chr8-87645084-T-C.
Other names: c.1216A>G (NM_019098.4); short protein forms I406V.
Identifiers: ClinVar variation 2176644 (VCV002176644.3), dbSNP rs756383300, ClinGen allele CA4800105.
Genomic context (GRCh38, chr8:86,632,856, plus strand): 5'-TCAAGAGTTGAAAAACAATTTCAAATAAAGTTTGTGGTTCTGGAAGGCCACCAATGGTAA[T>C]TAAAGTTCGAACTGCCCAATAATAACATCTCAGATACCTGTGAAAACAGAAGATATACAT-3'
Protein context (NP_061971.3, residues 396-416): RCYYWAVRTL[Ile406Val]TIGGLPEPQT

ClinVar aggregate classification (germline): Uncertain significance. Review status: criteria provided, multiple submitters, no conflicts (2 of 4 stars). 3 submissions from 3 submitters: Uncertain significance (3). Last evaluated 2025-01-08.

Conditions:
Inborn genetic diseases. Identifiers: MedGen C0950123, MeSH D030342.

Allele frequency attached by ClinVar (database versions not stated): gnomAD 0.00001; TOPMed 0.00002; ExAC 0.00003; gnomAD exomes 0.00004.
gnomAD v4.1: 55 of 1,612,626 alleles (0.0034%); highest among the groups gnomAD compares: Non-Finnish European, 0.0047%; no homozygotes.

Submissions (3):

Ambry Genetics
Classification: Uncertain significance for Inborn genetic diseases. Last evaluated: 2025-01-08. Review status: criteria provided, single submitter. Criteria: Ambry Variant Classification Scheme 2023. Collection method: clinical testing. Allele origin: germline.

Blueprint Genetics
Classification: Uncertain significance. Last evaluated: 2022-10-21. Review status: criteria provided, single submitter. Criteria: ACMG Guidelines, 2015. Collection method: clinical testing. Allele origin: germline.

Labcorp Genetics (formerly Invitae), Labcorp
Classification: Uncertain significance. Last evaluated: 2022-02-22. Review status: criteria provided, single submitter. Criteria: Invitae Variant Classification Sherloc (09022015). Collection method: clinical testing. Allele origin: germline.
Comment: This sequence change replaces isoleucine, which is neutral and non-polar, with valine, which is neutral and non-polar, at codon 406 of the CNGB3 protein (p.Ile406Val). This variant is present in population databases (rs756383300, gnomAD 0.005%). This variant has not been reported in the literature in individuals affected with CNGB3-related conditions. Algorithms developed to predict the effect of missense changes on protein structure and function are either unavailable or do not agree on the potential impact of this missense change (SIFT: "Deleterious"; PolyPhen-2: "Possibly Damaging"; Align-GVGD: "Class C0"). In summary, the available evidence is currently insufficient to determine the role of this variant in disease. Therefore, it has been classified as a Variant of Uncertain Significance.